The following is an entry in ClinVar:

ClinVar aggregate classification (germline): Uncertain significance (1 of 4 stars; one submission).

Conditions:
MEGF10-related myopathy (CMYO10A). Also called: Congenital myopathy 10A, severe variant. Identifiers: Orphanet 439212, MedGen C3280679, MONDO:0013731, OMIM 614399.

Allele frequency attached by ClinVar (database versions not stated): gnomAD exomes below 0.00001.

Submission:

Labcorp Genetics (formerly Invitae), Labcorp
Classification: Uncertain significance for MEGF10-related myopathy. Last evaluated: 2022-07-05. Review status: criteria provided, single submitter. Criteria: Invitae Variant Classification Sherloc (09022015). Collection method: clinical testing. Allele origin: germline.
Comment: This sequence change replaces glycine, which is neutral and non-polar, with cysteine, which is neutral and slightly polar, at codon 390 of the MEGF10 protein (p.Gly390Cys). This variant is present in population databases (no rsID available, gnomAD 0.0009%). This variant has not been reported in the literature in individuals affected with MEGF10-related conditions. ClinVar contains an entry for this variant (Variation ID: 1017782). Algorithms developed to predict the effect of missense changes on protein structure and function (SIFT, PolyPhen-2, Align-GVGD) all suggest that this variant is likely to be disruptive. In summary, the available evidence is currently insufficient to determine the role of this variant in disease. Therefore, it has been classified as a Variant of Uncertain Significance.

NM_001256545.2(MEGF10):c.1168G>T (p.Gly390Cys)

Gene: MEGF10 (multiple EGF like domains 10; plus strand). Cytogenetic location: 5q23.2.
Variant type: single nucleotide variant.
Coding change: c.1168G>T on transcript NM_001256545.2 (MANE Select); coding-DNA position 1168, G replaced by T.
Protein change: p.Gly390Cys; replaces glycine 390 with cysteine.
Molecular consequence: missense variant.
Genome position (GRCh38, 1-based): chr5:127,417,675, G>T. VCF-style: chr5-127417675-G-T. GRCh37 (hg19) VCF-style: chr5-126753367-G-T.
Other names: c.1168G>T, p.Gly390Cys (NM_001308119.2, NM_001308121.2, NM_032446.3); short protein forms G390C.
Identifiers: ClinVar variation 1017782 (VCV001017782.7), dbSNP rs1289662592, ClinGen allele CA360727843.